The following is an entry in ClinVar:

NM_000062.3(SERPING1):c.1180A>C (p.Thr394Pro)

Gene: SERPING1 (serpin family G member 1; plus strand). Cytogenetic location: 11q12.1.
Variant type: single nucleotide variant.
Coding change: c.1180A>C on transcript NM_000062.3 (MANE Select); coding-DNA position 1180, A replaced by C.
Protein change: p.Thr394Pro; replaces threonine 394 with proline.
Molecular consequence: missense variant.
Genome position (GRCh38, 1-based): chr11:57,611,867, A>C. VCF-style: chr11-57611867-A-C. GRCh37 (hg19) VCF-style: chr11-57379340-A-C.
Other names: c.1180A>C, p.Thr394Pro (NM_001032295.2); short protein forms T394P.
Identifiers: ClinVar variation 2735617 (VCV002735617.3), dbSNP rs2495452680, ClinGen allele CA380703232.

ClinVar aggregate classification (germline): Uncertain significance (1 of 4 stars; one submission).

Submission:

Labcorp Genetics (formerly Invitae), Labcorp
Classification: Uncertain significance. Last evaluated: 2023-10-30. Review status: criteria provided, single submitter. Criteria: Invitae Variant Classification Sherloc (09022015). Collection method: clinical testing. Allele origin: germline.
Comment: This sequence change replaces threonine, which is neutral and polar, with proline, which is neutral and non-polar, at codon 394 of the SERPING1 protein (p.Thr394Pro). This variant is not present in population databases (gnomAD no frequency). This missense change has been observed in individual(s) with hereditary angioedema (PMID: 8755917). This variant is also known as T372P. Advanced modeling of protein sequence and biophysical properties (such as structural, functional, and spatial information, amino acid conservation, physicochemical variation, residue mobility, and thermodynamic stability) performed at Invitae indicates that this missense variant is expected to disrupt SERPING1 protein function with a positive predictive value of 80%. In summary, the available evidence is currently insufficient to determine the role of this variant in disease. Therefore, it has been classified as a Variant of Uncertain Significance.

Literature cited by the submitters: PubMed 8755917.